The following is an entry in ClinVar:

NM_005154.5(USP8):c.317C>G (p.Ser106Cys)

Gene: USP8 (ubiquitin specific peptidase 8; plus strand). Cytogenetic location: 15q21.2.
Variant type: single nucleotide variant.
Coding change: c.317C>G on transcript NM_005154.5 (MANE Select); coding-DNA position 317, C replaced by G.
Protein change: p.Ser106Cys; replaces serine 106 with cysteine.
Molecular consequence: missense variant. On other transcripts: intron variant (1).
Genome position (GRCh38, 1-based): chr15:50,449,467, C>G. VCF-style: chr15-50449467-C-G. GRCh37 (hg19) VCF-style: chr15-50741664-C-G.
Other names: c.317C>G, p.Ser106Cys (NM_001128610.3); c.105-9533C>G (NM_001283049.2); short protein forms S106C.
Identifiers: ClinVar variation 1438686 (VCV001438686.8), dbSNP rs2141265920, ClinGen allele CA392383131.

ClinVar aggregate classification (germline): Uncertain significance (1 of 4 stars; one submission).

Conditions:
Hereditary spastic paraplegia. Also called: Familial spastic paraparesis. Identifiers: Orphanet 685, MedGen C0037773, MONDO:0019064. Disease mechanism: loss of function.

Submission:

Labcorp Genetics (formerly Invitae), Labcorp
Classification: Uncertain significance for Hereditary spastic paraplegia. Last evaluated: 2021-03-10. Review status: criteria provided, single submitter. Criteria: Invitae Variant Classification Sherloc (09022015). Collection method: clinical testing. Allele origin: germline.
Comment: This sequence change replaces serine with cysteine at codon 106 of the USP8 protein (p.Ser106Cys). The serine residue is highly conserved and there is a moderate physicochemical difference between serine and cysteine. This variant is not present in population databases (ExAC no frequency). This variant has not been reported in the literature in individuals with USP8-related conditions. Algorithms developed to predict the effect of missense changes on protein structure and function are either unavailable or do not agree on the potential impact of this missense change (SIFT: "Deleterious"; PolyPhen-2: "Probably Damaging"; Align-GVGD: "Class C15"). In summary, the available evidence is currently insufficient to determine the role of this variant in disease. Therefore, it has been classified as a Variant of Uncertain Significance.